The following is an entry in ClinVar:

NM_002439.5(MSH3):c.2304G>T (p.Trp768Cys)

Gene: MSH3 (mutS homolog 3; plus strand). Cytogenetic location: 5q14.1.
Variant type: single nucleotide variant.
Coding change: c.2304G>T on transcript NM_002439.5 (MANE Select); coding-DNA position 2304, G replaced by T.
Protein change: p.Trp768Cys; replaces tryptophan 768 with cysteine.
Molecular consequence: missense variant.
Genome position (GRCh38, 1-based): chr5:80,775,744, G>T. VCF-style: chr5-80775744-G-T. GRCh37 (hg19) VCF-style: chr5-80071563-G-T.
Other names: short protein forms W768C.
Identifiers: ClinVar variation 3296301 (VCV003296301.1).

ClinVar aggregate classification (germline): Uncertain significance (1 of 4 stars; one submission).

Conditions:
Hereditary cancer-predisposing syndrome. Also called: Tumor predisposition; Hereditary Cancer Syndrome; Hereditary neoplastic syndrome; Neoplastic Syndromes, Hereditary. Identifiers: Orphanet 140162, MedGen C0027672, MeSH D009386, MONDO:0015356.

Submission:

Ambry Genetics
Classification: Uncertain significance for Hereditary cancer-predisposing syndrome. Last evaluated: 2024-06-03. Review status: criteria provided, single submitter. Criteria: Ambry Variant Classification Scheme 2023. Collection method: clinical testing. Allele origin: germline.
Comment: The p.W768C variant (also known as c.2304G>T), located in coding exon 16 of the MSH3 gene, results from a G to T substitution at nucleotide position 2304. The tryptophan at codon 768 is replaced by cysteine, an amino acid with highly dissimilar properties. This amino acid position is conserved. In addition, this alteration is predicted to be deleterious by in silico analysis. Based on the available evidence, the clinical significance of this variant remains unclear.